The following is an entry in ClinVar:

ClinVar aggregate classification (germline): Uncertain significance (1 of 4 stars; one submission).

gnomAD v4.1: 36 of 1,397,192 alleles (0.0026%); highest among the groups gnomAD compares: Admixed American, 0.016%; no homozygotes.

Submission:

Ambry Genetics
Classification: Uncertain significance. Last evaluated: 2025-04-22. Review status: criteria provided, single submitter. Criteria: Ambry Variant Classification Scheme 2023. Collection method: clinical testing. Allele origin: germline.
Comment: The c.184C>T (p.R62W) alteration is located in exon (coding exon ) of the MLXIP gene. This alteration results from a C to T substitution at nucleotide position 184, causing the arginine (R) at amino acid position 62 to be replaced by a tryptophan (W). Based on insufficient or conflicting evidence, the clinical significance of this alteration remains unclear.

NM_014938.6(MLXIP):c.184C>T (p.Arg62Trp)

Genes: MLXIP (MLX interacting protein; plus strand), LOC130009029 (ATAC-STARR-seq lymphoblastoid silent region 5009; plus strand). Cytogenetic location: 12q24.31.
Variant type: single nucleotide variant.
Coding change: c.184C>T on transcript NM_014938.6 (MANE Select); coding-DNA position 184, C replaced by T.
Protein change: p.Arg62Trp; replaces arginine 62 with tryptophan.
Molecular consequence: missense variant.
Genome position (GRCh38, 1-based): chr12:122,079,037, C>T. VCF-style: chr12-122079037-C-T. GRCh37 (hg19) VCF-style: chr12-122516943-C-T.
Other names: short protein forms R62W.
Identifiers: ClinVar variation 4055614 (VCV004055614.1).
Genomic context (GRCh38, chr12:122,079,037, plus strand): 5'-CCCGCCTCCGGCGCGGCCACCCCGGCCCGGGCCCACGCGAGCGCCGCGCCACCGCCGCCT[C>T]GGGCCGGGCCGGGCCGCGAGGAACCTCCGCGCCGCCAGCAGATCATCCACAGCGGCCACT-3'
Protein context (NP_055753.3, residues 52-72): AHASAAPPPP[Arg62Trp]AGPGREEPPR